The following is an entry in ClinVar:

NM_006231.4(POLE):c.299A>G (p.Tyr100Cys)

Gene: POLE (DNA polymerase epsilon, catalytic subunit; minus strand). Cytogenetic location: 12q24.33.
Variant type: single nucleotide variant.
Coding change: c.299A>G on transcript NM_006231.4 (MANE Select); coding-DNA position 299, A replaced by G.
Protein change: p.Tyr100Cys; replaces tyrosine 100 with cysteine.
Molecular consequence: missense variant.
Genome position (GRCh38, 1-based): chr12:132,680,209, T>C on the plus strand (A>G on the coding strand, the complement: POLE is on the minus strand). VCF-style: chr12-132680209-T-C. GRCh37 (hg19) VCF-style: chr12-133256795-T-C.
Other names: c.299A>G (NM_006231.2); short protein forms Y100C.
Identifiers: ClinVar variation 1046001 (VCV001046001.11), dbSNP rs201279820, ClinGen allele CA387368786.

ClinVar aggregate classification (germline): Uncertain significance. Review status: criteria provided, multiple submitters, no conflicts (2 of 4 stars). 2 submissions from 2 submitters: Uncertain significance (2). Last evaluated 2025-05-01.

Conditions:
Hereditary cancer-predisposing syndrome. Also called: Hereditary Cancer Syndrome; Tumor predisposition; Hereditary neoplastic syndrome; Neoplastic Syndromes, Hereditary. Identifiers: Orphanet 140162, MedGen C0027672, MeSH D009386, MONDO:0015356.

Submissions (2):

Ambry Genetics
Classification: Uncertain significance for Hereditary cancer-predisposing syndrome. Last evaluated: 2025-05-01. Review status: criteria provided, single submitter. Criteria: Ambry Variant Classification Scheme 2023. Collection method: clinical testing. Allele origin: germline.
Comment: The p.Y100C variant (also known as c.299A>G), located in coding exon 4 of the POLE gene, results from an A to G substitution at nucleotide position 299. The tyrosine at codon 100 is replaced by cysteine, an amino acid with highly dissimilar properties. This amino acid position is conserved. In addition, this alteration is predicted to be tolerated by in silico analysis. Since supporting evidence is limited at this time, the clinical significance of this alteration remains unclear.

Labcorp Genetics (formerly Invitae), Labcorp
Classification: Uncertain significance. Last evaluated: 2022-03-05. Review status: criteria provided, single submitter. Criteria: Invitae Variant Classification Sherloc (09022015). Collection method: clinical testing. Allele origin: germline.
Comment: This variant has not been reported in the literature in individuals affected with POLE-related conditions. In summary, the available evidence is currently insufficient to determine the role of this variant in disease. Therefore, it has been classified as a Variant of Uncertain Significance. Algorithms developed to predict the effect of missense changes on protein structure and function are either unavailable or do not agree on the potential impact of this missense change (SIFT: "Deleterious"; PolyPhen-2: "Possibly Damaging"; Align-GVGD: "Class C0"). ClinVar contains an entry for this variant (Variation ID: 1046001). This variant is not present in population databases (gnomAD no frequency). This sequence change replaces tyrosine, which is neutral and polar, with cysteine, which is neutral and slightly polar, at codon 100 of the POLE protein (p.Tyr100Cys).